The following is an entry in ClinVar:

NM_015404.4(WHRN):c.1096C>T (p.Arg366Cys)

Gene: WHRN (whirlin; minus strand). Cytogenetic location: 9q32.
Variant type: single nucleotide variant.
Coding change: c.1096C>T on transcript NM_015404.4 (MANE Select); coding-DNA position 1096, C replaced by T.
Protein change: p.Arg366Cys; replaces arginine 366 with cysteine.
Molecular consequence: missense variant. On other transcripts: 5 prime UTR variant (1).
Genome position (GRCh38, 1-based): chr9:114,426,281, G>A on the plus strand (C>T on the coding strand, the complement: WHRN is on the minus strand). VCF-style: chr9-114426281-G-A. GRCh37 (hg19) VCF-style: chr9-117188561-G-A.
Other names: c.-54C>T (NM_001083885.3); c.1096C>T, p.Arg366Cys (NM_001173425.2); c.1096C>T (NM_015404.2); short protein forms R366C.
Identifiers: ClinVar variation 2968506 (VCV002968506.5), dbSNP rs530868944, ClinGen allele CA5206085.

ClinVar aggregate classification (germline): Uncertain significance. Review status: criteria provided, multiple submitters, no conflicts (2 of 4 stars). 3 submissions from 3 submitters: Uncertain significance (3). Last evaluated 2025-06-10.

Allele frequency attached by ClinVar (database versions not stated): ExAC 0.00003; 1000 Genomes Project 30x 0.00016; 1000 Genomes Project 0.00020.
gnomAD v4.1: 24 of 1,613,336 alleles (0.0015%); highest among the groups gnomAD compares: Admixed American, 0.01%; no homozygotes.

Submissions (3):

GeneDx
Classification: Uncertain significance. Last evaluated: 2025-06-10. Review status: criteria provided, single submitter. Criteria: GeneDx Variant Classification Process June 2021. Collection method: clinical testing. Allele origin: germline. Affected: yes.
Comment: In silico analysis suggests that this missense variant does not alter protein structure/function; Has not been previously published as pathogenic or benign to our knowledge

Labcorp Genetics (formerly Invitae), Labcorp
Classification: Uncertain significance. Last evaluated: 2025-04-24. Review status: criteria provided, single submitter. Criteria: Invitae Variant Classification Sherloc (09022015). Collection method: clinical testing. Allele origin: germline.
Comment: This sequence change replaces arginine, which is basic and polar, with cysteine, which is neutral and slightly polar, at codon 366 of the WHRN protein (p.Arg366Cys). This variant is present in population databases (rs530868944, gnomAD 0.02%). This variant has not been reported in the literature in individuals affected with WHRN-related conditions. ClinVar contains an entry for this variant (Variation ID: 2968506). An algorithm developed to predict the effect of missense changes on protein structure and function (PolyPhen-2) suggests that this variant is likely to be tolerated. In summary, the available evidence is currently insufficient to determine the role of this variant in disease. Therefore, it has been classified as a Variant of Uncertain Significance.

Blueprint Genetics
Classification: Uncertain significance. Last evaluated: 2023-04-05. Review status: criteria provided, single submitter. Criteria: ACMG Guidelines, 2015. Collection method: clinical testing. Allele origin: germline.